The following is an entry in ClinVar:

NM_000256.3(MYBPC3):c.2157_2158del (p.Cys719_Glu720delinsTer)

Gene: MYBPC3 (myosin binding protein C3; minus strand). Cytogenetic location: 11p11.2.
Variant type: Microsatellite.
Coding change: c.2157_2158del on transcript NM_000256.3 (MANE Select); coding-DNA positions 2157 to 2158, 2 bases deleted (TG; older notation c.2157_2158delTG).
Protein change: p.Cys719_Glu720delinsTer.
Molecular consequence: nonsense.
Genome position (GRCh38, 1-based): chr11:47,338,670-47,338,671, CA deleted on the plus strand (TG on the coding strand, the reverse complement: MYBPC3 is on the minus strand); deleting any 2 consecutive bases within chr11:47,338,670-47,338,675 gives the same sequence; the c. name uses the placement nearest the transcript's 3' end. VCF-style (leftmost placement, unchanged base first): chr11-47338669-TCA-T. GRCh37 (hg19) VCF-style: chr11-47360220-TCA-T.
Other names: c.2157_2158delTG (NM_000256.3).
Identifiers: ClinVar variation 418781 (VCV000418781.8), dbSNP rs1064793429, ClinGen allele CA16619338.
Genomic context (GRCh38, chr11:47,338,669, plus strand): 5'-CCCTCGACCGTGAAGATGCTGCGGTCCTTGGTGGTCTCCACGCGGACCCGGCCCTCGGTC[TCA>T]CACAGCAGCTGGGGGGGTGCAGAGTTGGGGTGAGATCCAAGTCAGACCCCAGAGGCCCTT-3'

ClinVar aggregate classification (germline): Pathogenic. Review status: criteria provided, multiple submitters, no conflicts (2 of 4 stars). 5 submissions from 5 submitters: Pathogenic (5). Last evaluated 2025-02-12.

Conditions:
Hypertrophic cardiomyopathy. Also called: HYPERTROPHIC MYOCARDIOPATHY. Identifiers: Orphanet 217569, MedGen C0007194, MeSH D002312, MONDO:0005045, HP:0001639.
Cardiomyopathy (CMYO). Also called: Cardiomyopathies. Identifiers: Orphanet 167848, MedGen C0878544, MONDO:0004994, HP:0001638. Inheritance: Various modes of inheritance.

Submissions (5):

Labcorp Genetics (formerly Invitae), Labcorp
Classification: Pathogenic for Hypertrophic cardiomyopathy. Last evaluated: 2025-02-12. Review status: criteria provided, single submitter. Criteria: Invitae Variant Classification Sherloc (09022015). Collection method: clinical testing. Allele origin: germline.
Comment: This sequence change creates a premature translational stop signal (p.Cys719*) in the MYBPC3 gene. It is expected to result in an absent or disrupted protein product. Loss-of-function variants in MYBPC3 are known to be pathogenic (PMID: 19574547). This variant is not present in population databases (gnomAD no frequency). This premature translational stop signal has been observed in individual(s) with hypertrophic cardiomyopathy (PMID: 20800588). ClinVar contains an entry for this variant (Variation ID: 418781). For these reasons, this variant has been classified as Pathogenic.

Color Diagnostics, LLC DBA Color Health
Classification: Pathogenic for Cardiomyopathy. Last evaluated: 2024-12-10. Review status: criteria provided, single submitter. Criteria: ACMG Guidelines, 2015. Collection method: clinical testing. Allele origin: germline.
Comment: This variant deletes two nucleotides in exon 23 of the MYBPC3 gene, creating a premature translation stop signal. This variant is expected to result in an absent or non-functional protein product. This variant has been reported in individuals affected with hypertrophic cardiomyopathy (PMID: 20800588, 21835320, 30297972, 32841044, 33495597). This variant has not been identified in the general population by the Genome Aggregation Database (gnomAD). Loss of MYBPC3 function is a known mechanism of disease. Based on the available evidence, this variant is classified as Pathogenic.

All of Us Research Program, National Institutes of Health
Classification: Pathogenic for Hypertrophic cardiomyopathy. Last evaluated: 2024-09-25. Review status: criteria provided, single submitter. Criteria: ACMG Guidelines, 2015. Collection method: clinical testing. Allele origin: germline. Inheritance: Autosomal dominant inheritance. Observed: 1 variant allele, 1 heterozygote.
Comment: This variant is predicted to result in loss of protein function through nonsense-mediated decay or protein truncation. Loss of function is an established mechanism of disease. This variant has been reported in multiple individuals with hypertrophic cardiomyopathy (PMID: 19694058, 20800588, 21835320, 32841044, 30297972, 33495597). It is absent from large population databases, including the Genome Aggregation Database.

This study involves interpretation of variants in research participants for the purpose of population health screening. Participant phenotype was not available at the time of variant classification. Additional details can be found in publication PMID: 35346344, PMCID: PMC8962531

GeneDx
Classification: Pathogenic. Last evaluated: 2021-07-27. Review status: criteria provided, single submitter. Criteria: GeneDx Variant Classification Process June 2021. Collection method: clinical testing. Allele origin: germline. Affected: yes.
Comment: Not observed in large population cohorts (Lek et al., 2016); Nonsense variant predicted to result in protein truncation or nonsense mediated decay in a gene for which loss-of-function is a known mechanism of disease; This variant is associated with the following publications: (PMID: 21835320, 19694058)

Laboratory for Molecular Medicine, Mass General Brigham Personalized Medicine
Classification: Pathogenic for Hypertrophic cardiomyopathy. Last evaluated: 2015-08-08. Review status: criteria provided, single submitter. Criteria: ACMG Guidelines, 2015. Collection method: clinical testing. Allele origin: germline.
Comment: The p.Cys719X variant in MYBPC3 has been reported in 1 individual with HCM (Olivotto 2011) and was not identified in large population studies. This nonsense variant leads to a premature termination codon at position 719, which is predicted to lead to a truncated or absent protein. Heterozygous loss of function of the MYBPC3 gene is an established disease mechanism in individuals with HCM. In summary, this variant meets our criteria to be classified as pathogenic for HCM in an autosomal dominant manner based on the predicted impact of the variant and absence from controls.

Literature cited by the submitters: PubMed 19574547 (cited by Labcorp Genetics (formerly Invitae), Labcorp); PubMed 20800588 (cited by 3 submitters); PubMed 21835320 (cited by 3 submitters); PubMed 30297972 (cited by Color Diagnostics, LLC DBA Color Health and All of Us Research Program, National Institutes of Health); PubMed 32841044 (cited by Color Diagnostics, LLC DBA Color Health and All of Us Research Program, National Institutes of Health); PubMed 33495597 (cited by Color Diagnostics, LLC DBA Color Health and All of Us Research Program, National Institutes of Health); PubMed 19694058 (cited by All of Us Research Program, National Institutes of Health).